The following is an entry in ClinVar:

ClinVar aggregate classification (germline): Uncertain significance (1 of 4 stars; one submission).

Conditions:
Dilated cardiomyopathy 1O (CMD1O). Also called: CARDIOMYOPATHY, DILATED, WITH VENTRICULAR TACHYCARDIA. Identifiers: Orphanet 154, MedGen C1837839, MONDO:0012062, OMIM 608569.

Submission:

Labcorp Genetics (formerly Invitae), Labcorp
Classification: Uncertain significance for Dilated cardiomyopathy 1O. Last evaluated: 2025-02-23. Review status: criteria provided, single submitter. Criteria: Invitae Variant Classification Sherloc (09022015). Collection method: clinical testing. Allele origin: germline.
Comment: This sequence change replaces alanine, which is neutral and non-polar, with glutamic acid, which is acidic and polar, at codon 665 of the ABCC9 protein (p.Ala665Glu). This variant is not present in population databases (gnomAD no frequency). This variant has not been reported in the literature in individuals affected with ABCC9-related conditions. Invitae Evidence Modeling of protein sequence and biophysical properties (such as structural, functional, and spatial information, amino acid conservation, physicochemical variation, residue mobility, and thermodynamic stability) indicates that this missense variant is not expected to disrupt ABCC9 protein function with a negative predictive value of 95%. In summary, the available evidence is currently insufficient to determine the role of this variant in disease. Therefore, it has been classified as a Variant of Uncertain Significance.

NM_020297.4(ABCC9):c.1994C>A (p.Ala665Glu)

Gene: ABCC9 (ATP binding cassette subfamily C member 9; minus strand). Cytogenetic location: 12p12.1.
Variant type: single nucleotide variant.
Coding change: c.1994C>A on transcript NM_020297.4 (MANE Select); coding-DNA position 1994, C replaced by A.
Protein change: p.Ala665Glu; replaces alanine 665 with glutamic acid.
Molecular consequence: missense variant.
Genome position (GRCh38, 1-based): chr12:21,882,791, G>T on the plus strand (C>A on the coding strand, the complement: ABCC9 is on the minus strand). VCF-style: chr12-21882791-G-T. GRCh37 (hg19) VCF-style: chr12-22035725-G-T.
Other names: c.1994C>A, p.Ala665Glu (NM_001377273.1, NM_005691.4); c.1130C>A, p.Ala377Glu (NM_001377274.1); short protein forms A377E, A665E.
Identifiers: ClinVar variation 4777967 (VCV004777967.1).
Genomic context (GRCh38, chr12:21,882,791, plus strand): 5'-TCTATTCATGTAAGAATCCAGGAAATAAAAATAACCTTTATTGCAATGTCCTCTGTTTCT[G>T]CGGGACGTAGACGCCGTGTTGATTGCTCATAGCTGTCCAGGTGATATCTTCCAGGCTGTT-3'
Protein context (NP_064693.2, residues 655-675): YEQSTRRLRP[Ala665Glu]ETEDIAIKVT